The following is an entry in ClinVar:

ClinVar aggregate classification (germline): Likely pathogenic (1 of 4 stars; one submission).

Conditions:
Autosomal recessive Alport syndrome (ATS2). Also called: ALPORT SYNDROME 2, AUTOSOMAL RECESSIVE; Alport syndrome type 2; COL4A4 Alport Syndrome and Thin Basement Membrane Nephropathy; COL4A3-Related Nephropathy. Identifiers: Orphanet 63, Orphanet 88919, MedGen C4746745, MONDO:0008762, OMIM 203780.

Submission:

Myriad Genetics, Inc.
Classification: Likely pathogenic for Autosomal recessive Alport syndrome. Last evaluated: 2019-12-22. Review status: criteria provided, single submitter. Criteria: Myriad Women's Health Autosomal Recessive and X-Linked Classification Criteria (2019). Collection method: clinical testing. Allele origin: unknown.
Comment: NM_000092.4(COL4A4):c.1973T>A(L658*) is expected to be pathogenic in the context of COL4A4-related Alport syndrome. This variant is predicted to lead to an abnormal or absent protein product due to the creation of a premature termination codon in COL4A4, a gene where loss-of-function variants are known to be pathogenic. Please note: this variant was assessed in the context of healthy population screening.

NM_000092.5(COL4A4):c.1973T>A (p.Leu658Ter)

Gene: COL4A4 (collagen type IV alpha 4 chain; minus strand). Cytogenetic location: 2q36.3.
Variant type: single nucleotide variant.
Coding change: c.1973T>A on transcript NM_000092.5 (MANE Select); coding-DNA position 1973, T replaced by A.
Protein change: p.Leu658Ter; replaces leucine 658 with a stop codon.
Molecular consequence: nonsense.
Genome position (GRCh38, 1-based): chr2:227,077,908, A>T on the plus strand (T>A on the coding strand, the complement: COL4A4 is on the minus strand). VCF-style: chr2-227077908-A-T. GRCh37 (hg19) VCF-style: chr2-227942624-A-T.
Other names: short protein forms L658*.
Identifiers: ClinVar variation 984168 (VCV000984168.3), dbSNP rs2059119564, ClinGen allele CA350845119.